The following is an entry in ClinVar:

ClinVar aggregate classification (germline): Pathogenic. Review status: criteria provided, multiple submitters, no conflicts (2 of 4 stars). 4 submissions from 4 submitters: Pathogenic (2). 2 of the submissions do not count toward it. Last evaluated 2025-12-11.

Conditions:
Neuronopathy, distal hereditary motor, autosomal recessive 7. Also called: NEUROPATHY, HEREDITARY MOTOR, WITH MYOPATHIC FEATURES; NEUROPATHY, DISTAL HEREDITARY MOTOR, AUTOSOMAL RECESSIVE 7. Identifiers: MedGen C5543119, MONDO:0030977, OMIM 619216.
Neuromuscular disease. Also called: Neuromyopathy; Neuromuscular disorder. Identifiers: Orphanet 68381, MedGen C0027868, MeSH D009468, MONDO:0019056.

Submissions (4):

Ambry Genetics
Classification: Pathogenic. Last evaluated: 2025-12-11. Review status: criteria provided, single submitter. Criteria: Ambry Variant Classification Scheme 2023. Collection method: clinical testing. Allele origin: germline.
Comment: The c.62_71del10 (p.G21Afs*12) alteration, located in exon 1 (coding exon 1) of the VWA1 gene, consists of a deletion of 10 nucleotides from position 62 to 71, causing a translational frameshift with a predicted alternate stop codon after 12 amino acids. This alteration is expected to result in loss of function by premature protein truncation or nonsense-mediated mRNA decay. This variant was not reported in population-based cohorts in the Genome Aggregation Database (gnomAD). This variant has been identified in the homozygous state and/or in conjunction with other VWA1 variant(s) in individual(s) with features consistent with VWA1-related motor neuronopathy; in at least one instance, the variants were identified in trans (Deschauer, 2021). Based on the available evidence, this alteration is classified as pathogenic.

3billion
Classification: Pathogenic for Neuronopathy, distal hereditary motor, autosomal recessive 7. Last evaluated: 2024-02-26. Review status: criteria provided, single submitter. Criteria: ACMG Guidelines, 2015. Collection method: clinical testing. Allele origin: germline. Affected: yes.
Comment: The variant is not observed in the gnomAD v2.1.1 dataset. Predicted Consequence/Location: Frameshift: predicted to result in a loss or disruption of normal protein function through nonsense-mediated decay (NMD) or protein truncation. Multiple pathogenic variants are reported downstream of the variant. The variant has been reported to be associated with VWA1-related disorder (ClinVar ID: VCV000830324 /PMID: 33459760). Therefore, this variant is classified as Pathogenic according to the recommendation of ACMG/AMP guideline.

OMIM
Classification: Pathogenic for NEURONOPATHY, DISTAL HEREDITARY MOTOR, AUTOSOMAL RECESSIVE 7. Last evaluated: 2023-10-17. Review status: no assertion criteria provided. Collection method: literature only. Allele origin: germline. Not counted in ClinVar's aggregate classification.

Section for Clinical Neurogenetics, University of Tübingen
Classification: Likely pathogenic for Neuromyopathy. Last evaluated: 2020-01-01. Review status: no assertion criteria provided. Collection method: research. Allele origin: germline. Affected: yes. Not counted in ClinVar's aggregate classification.

Literature cited by the submitters: PubMed 33459760 (cited by 3 submitters).

NM_022834.5(VWA1):c.62_71del (p.Gly21fs)

Gene: VWA1 (von Willebrand factor A domain containing 1; plus strand). Cytogenetic location: 1p36.33.
Variant type: Microsatellite.
Coding change: c.62_71del on transcript NM_022834.5 (MANE Select); coding-DNA positions 62 to 71, 10 bases deleted (GCGCGGAGCG; older notation c.62_71delGCGCGGAGCG).
Protein change: p.Gly21fs; shifts the reading frame from glycine 21.
Molecular consequence: frameshift variant.
Genome position (GRCh38, 1-based): chr1:1,435,810-1,435,819, GCGCGGAGCG deleted; deleting any 10 consecutive bases within chr1:1,435,799-1,435,819 gives the same sequence; the c. name uses the placement nearest the transcript's 3' end. VCF-style (leftmost placement, unchanged base first): chr1-1435798-TGGCGCGGAGC-T. GRCh37 (hg19) VCF-style: chr1-1371178-TGGCGCGGAGC-T.
Other names: c.62_71del, p.Gly21fs (NM_199121.3); c.62_71del10 (NM_022834.4); short protein forms G21fs.
Identifiers: ClinVar variation 830324 (VCV000830324.7), dbSNP rs749383814, ClinGen allele CA523002.